The following is an entry in ClinVar:

ClinVar aggregate classification (germline): Uncertain significance (1 of 4 stars; one submission).

Conditions:
RASopathy. Also called: Noonan spectrum disorder; rasopathies. Identifiers: Orphanet 536391, MedGen C5555857, MONDO:0021060.

Submission:

Labcorp Genetics (formerly Invitae), Labcorp
Classification: Uncertain significance for RASopathy. Last evaluated: 2025-02-04. Review status: criteria provided, single submitter. Criteria: Invitae Variant Classification Sherloc (09022015). Collection method: clinical testing. Allele origin: germline.
Comment: This sequence change replaces glutamic acid, which is acidic and polar, with aspartic acid, which is acidic and polar, at codon 406 of the SHOC2 protein (p.Glu406Asp). This variant is not present in population databases (gnomAD no frequency). This variant has not been reported in the literature in individuals affected with SHOC2-related conditions. Invitae Evidence Modeling of protein sequence and biophysical properties (such as structural, functional, and spatial information, amino acid conservation, physicochemical variation, residue mobility, and thermodynamic stability) has been performed for this missense variant. However, the output from this modeling did not meet the statistical confidence thresholds required to predict the impact of this variant on SHOC2 protein function. In summary, the available evidence is currently insufficient to determine the role of this variant in disease. Therefore, it has been classified as a Variant of Uncertain Significance.

NM_007373.4(SHOC2):c.1218A>C (p.Glu406Asp)

Gene: SHOC2 (SHOC2 leucine rich repeat scaffold protein; plus strand). Cytogenetic location: 10q25.2.
Variant type: single nucleotide variant.
Coding change: c.1218A>C on transcript NM_007373.4 (MANE Select); coding-DNA position 1218, A replaced by C.
Protein change: p.Glu406Asp; replaces glutamic acid 406 with aspartic acid.
Molecular consequence: missense variant. On other transcripts: non-coding transcript variant (1).
Genome position (GRCh38, 1-based): chr10:111,007,587, A>C. VCF-style: chr10-111007587-A-C. GRCh37 (hg19) VCF-style: chr10-112767345-A-C.
Other names: c.1080A>C, p.Glu360Asp (NM_001269039.3); c.1218A>C, p.Glu406Asp (NM_001324336.2, NM_001324337.2); short protein forms E360D, E406D.
Identifiers: ClinVar variation 3666965 (VCV003666965.2).